The following is an entry in ClinVar:

ClinVar aggregate classification (germline): Conflicting classifications of pathogenicity. Review status: criteria provided, conflicting classifications (1 of 4 stars). 12 submissions from 12 submitters: Uncertain significance (6); Likely benign (3). 3 of the submissions do not count toward it. Last evaluated 2026-06-01.

Conditions:
Congenital lactic acidosis, Saguenay-Lac-Saint-Jean type (MC4DN5). Also called: MITOCHONDRIAL COMPLEX IV DEFICIENCY, NUCLEAR TYPE 5; CYTOCHROME c OXIDASE DEFICIENCY, FRENCH CANADIAN TYPE; COX DEFICIENCY, FRENCH CANADIAN TYPE. Identifiers: Orphanet 70472, MedGen C1857355, MONDO:0009069, OMIM 220111.
LRPPRC-related disorder. Also called: LRPPRC-related condition.

Allele frequency attached by ClinVar (database versions not stated): 1000 Genomes Project 30x 0.00047; 1000 Genomes Project 0.00060; TOPMed 0.00092; gnomAD 0.00094 and 0.00102; gnomAD exomes 0.00098; ExAC 0.00108; ESP Exome Variant Server 0.00177.
gnomAD v4.1: 2,037 of 1,614,024 alleles (0.13%); highest among the groups gnomAD compares: Non-Finnish European, 0.16%; 2 homozygotes.

Submissions (12):

CeGaT Center for Human Genetics Tuebingen
Classification: Likely benign. Last evaluated: 2026-06-01. Review status: criteria provided, single submitter. Criteria: CeGaT Center For Human Genetics Tuebingen Variant Classification Criteria Version 2. Collection method: clinical testing. Allele origin: germline. Affected: yes. Observed: 3 variant alleles.
Comment: LRPPRC: BP4

Labcorp Genetics (formerly Invitae), Labcorp
Classification: Likely benign. Last evaluated: 2026-01-25. Review status: criteria provided, single submitter. Criteria: Invitae Variant Classification Sherloc (09022015). Collection method: clinical testing. Allele origin: germline.

Blueprint Genetics
Classification: Likely benign. Last evaluated: 2024-11-19. Review status: criteria provided, single submitter. Criteria: ACMG Guidelines, 2015. Collection method: clinical testing. Allele origin: germline.

Department of Pathology and Laboratory Medicine, Sinai Health System
Classification: Uncertain significance for Congenital lactic acidosis, Saguenay-Lac-Saint-Jean type. Last evaluated: 2021-07-30. Review status: criteria provided, single submitter. Criteria: ACMG Guidelines, 2015. Collection method: research. Allele origin: germline.

Revvity Omics, Revvity
Classification: Uncertain significance for Congenital lactic acidosis, Saguenay-Lac-Saint-Jean type. Last evaluated: 2019-08-21. Review status: criteria provided, single submitter. Criteria: ACMG Guidelines, 2015. Collection method: clinical testing. Allele origin: germline.

Fulgent Genetics
Classification: Uncertain significance for Congenital lactic acidosis, Saguenay-Lac-Saint-Jean type. Last evaluated: 2018-10-31. Review status: criteria provided, single submitter. Criteria: ACMG Guidelines, 2015. Collection method: clinical testing. Allele origin: unknown.

Illumina Laboratory Services, Illumina
Classification: Uncertain significance for Congenital lactic acidosis, Saguenay-Lac-Saint-Jean type. Last evaluated: 2018-01-13. Review status: criteria provided, single submitter. Criteria: ICSL Variant Classification Criteria 13 December 2019. Collection method: clinical testing. Allele origin: germline.

CENTOGENE GmbH and LLC - Guiding Precision Medicine
Classification: Uncertain significance for Congenital lactic acidosis, Saguenay-Lac-Saint-Jean type. Last evaluated: 2017-01-13. Review status: criteria provided, single submitter. Criteria: ACMG Guidelines, 2015. Collection method: clinical testing. Allele origin: paternal. Affected: yes.

Eurofins Ntd Llc (ga)
Classification: Uncertain significance. Last evaluated: 2015-07-07. Review status: criteria provided, single submitter. Criteria: EGL Classification Definitions 2015. Collection method: clinical testing. Allele origin: germline. Observed: 2 variant alleles, 2 heterozygotes.

PreventionGenetics, part of Exact Sciences
Classification: Likely benign for LRPPRC-related condition. Last evaluated: 2022-12-01. Review status: no assertion criteria provided. Collection method: clinical testing. Allele origin: germline. Not counted in ClinVar's aggregate classification.
Comment: This variant is classified as likely benign based on ACMG/AMP sequence variant interpretation guidelines (Richards et al. 2015 PMID: 25741868, with internal and published modifications).

Natera, Inc.
Classification: Uncertain significance for French-Canadian type Leigh syndrome. Last evaluated: 2019-11-11. Review status: no assertion criteria provided. Collection method: clinical testing. Allele origin: germline. Not counted in ClinVar's aggregate classification.

Mayo Clinic Laboratories, Mayo Clinic
Classification: Uncertain significance. Last evaluated: 2016-03-09. Review status: no assertion criteria provided. Collection method: clinical testing. Allele origin: unknown. Not counted in ClinVar's aggregate classification.

NM_133259.4(LRPPRC):c.1301G>A (p.Gly434Asp)

Gene: LRPPRC (leucine rich pentatricopeptide repeat containing; minus strand). Cytogenetic location: 2p21.
Variant type: single nucleotide variant.
Coding change: c.1301G>A on transcript NM_133259.4 (MANE Select); coding-DNA position 1301, G replaced by A.
Protein change: p.Gly434Asp; replaces glycine 434 with aspartic acid.
Molecular consequence: missense variant.
Genome position (GRCh38, 1-based): chr2:43,973,675, C>T on the plus strand (G>A on the coding strand, the complement: LRPPRC is on the minus strand). VCF-style: chr2-43973675-C-T. GRCh37 (hg19) VCF-style: chr2-44200814-C-T.
Other names: short protein forms G434D.
Identifiers: ClinVar variation 214586 (VCV000214586.55), dbSNP rs146515622, ClinGen allele CA320411.